The following is an entry in ClinVar:

NM_004958.4(MTOR):c.943C>G (p.Pro315Ala)

Gene: MTOR (mechanistic target of rapamycin kinase; minus strand). Cytogenetic location: 1p36.22.
Variant type: single nucleotide variant.
Coding change: c.943C>G on transcript NM_004958.4 (MANE Select); coding-DNA position 943, C replaced by G.
Protein change: p.Pro315Ala; replaces proline 315 with alanine.
Molecular consequence: missense variant. On other transcripts: 5 prime UTR variant (1).
Genome position (GRCh38, 1-based): chr1:11,247,992, G>C on the plus strand (C>G on the coding strand, the complement: MTOR is on the minus strand). VCF-style: chr1-11247992-G-C. GRCh37 (hg19) VCF-style: chr1-11308049-G-C.
Other names: c.943C>G, p.Pro315Ala (NM_001386500.1); c.-197C>G (NM_001386501.1); short protein forms P315A.
Identifiers: ClinVar variation 1393251 (VCV001393251.6), dbSNP rs780804863, ClinGen allele CA590839.

ClinVar aggregate classification (germline): Uncertain significance (1 of 4 stars; one submission).

Allele frequency attached by ClinVar (database versions not stated): gnomAD exomes below 0.00001 and 0.00001; ExAC 0.00001.
gnomAD v4.1: 3 of 1,614,158 alleles (0.00019%); highest among the groups gnomAD compares: East Asian, 0.0022%; no homozygotes.

Submission:

Labcorp Genetics (formerly Invitae), Labcorp
Classification: Uncertain significance. Last evaluated: 2021-11-27. Review status: criteria provided, single submitter. Criteria: Invitae Variant Classification Sherloc (09022015). Collection method: clinical testing. Allele origin: germline.
Comment: In summary, the available evidence is currently insufficient to determine the role of this variant in disease. Therefore, it has been classified as a Variant of Uncertain Significance. Advanced modeling of protein sequence and biophysical properties (such as structural, functional, and spatial information, amino acid conservation, physicochemical variation, residue mobility, and thermodynamic stability) performed at Invitae indicates that this missense variant is not expected to disrupt MTOR protein function. This variant has not been reported in the literature in individuals affected with MTOR-related conditions. This variant is present in population databases (rs780804863, gnomAD 0.006%). This sequence change replaces proline, which is neutral and non-polar, with alanine, which is neutral and non-polar, at codon 315 of the MTOR protein (p.Pro315Ala).